The following is an entry in ClinVar:

ClinVar aggregate classification (germline): Benign. Review status: criteria provided, single submitter (1 of 4 stars). 2 submissions from 2 submitters: Benign (1). 1 of the submissions does not count toward it. Last evaluated 2026-01-26.

Conditions:
PIK3C2A-related disorder. Also called: PIK3C2A-related condition.

Allele frequency attached by ClinVar (database versions not stated): ExAC 0.00063; gnomAD 0.00199; 1000 Genomes Project 30x 0.00234; 1000 Genomes Project 0.00240; ESP Exome Variant Server 0.00254; TOPMed 0.00256.
gnomAD v4.1: 589 of 1,609,174 alleles (0.037%); highest among the groups gnomAD compares: African/African-American, 0.71%; 3 homozygotes.

Submissions (2):

Labcorp Genetics (formerly Invitae), Labcorp
Classification: Benign. Last evaluated: 2026-01-26. Review status: criteria provided, single submitter. Criteria: Invitae Variant Classification Sherloc (09022015). Collection method: clinical testing. Allele origin: germline.

PreventionGenetics, part of Exact Sciences
Classification: Benign for PIK3C2A-related condition. Last evaluated: 2019-11-25. Review status: no assertion criteria provided. Collection method: clinical testing. Allele origin: germline. Not counted in ClinVar's aggregate classification.
Comment: This variant is classified as benign based on ACMG/AMP sequence variant interpretation guidelines (Richards et al. 2015 PMID: 25741868, with internal and published modifications).

NM_002645.4(PIK3C2A):c.4269A>T (p.Arg1423=)

Gene: PIK3C2A (phosphatidylinositol-4-phosphate 3-kinase catalytic subunit type 2 alpha; minus strand). Cytogenetic location: 11p15.1.
Variant type: single nucleotide variant.
Coding change: c.4269A>T on transcript NM_002645.4 (MANE Select); coding-DNA position 4269, A replaced by T.
Protein change: p.Arg1423=; no amino-acid change (arginine 1423 retained).
Molecular consequence: synonymous variant.
Genome position (GRCh38, 1-based): chr11:17,097,114, T>A on the plus strand (A>T on the coding strand, the complement: PIK3C2A is on the minus strand). VCF-style: chr11-17097114-T-A. GRCh37 (hg19) VCF-style: chr11-17118661-T-A.
Other names: c.4269A>T (NM_001321378.1); c.4269A>T, p.Arg1423= (NM_001321378.2); c.3129A>T, p.Arg1043= (NM_001321380.2); c.4101A>T, p.Arg1367= (NM_001386870.1).
Identifiers: ClinVar variation 2080332 (VCV002080332.6), dbSNP rs61763085, ClinGen allele CA5900574.